The following is an entry in ClinVar:

ClinVar aggregate classification (germline): Uncertain significance (1 of 4 stars; one submission).

Conditions:
MAP1A-related disorder. Also called: MAP1A-related condition.

gnomAD v4.1: 1 of 1,614,130 alleles (0.000062%); highest among the groups gnomAD compares: Non-Finnish European, 0.000085%; no homozygotes.

Submission:

PreventionGenetics, part of Exact Sciences
Classification: Uncertain significance for MAP1A-related condition. Last evaluated: 2025-10-27. Review status: criteria provided, single submitter. Criteria: ACMG Guidelines, 2015. Collection method: clinical testing. Allele origin: germline.
Comment: The MAP1A c.2504G>C variant is predicted to result in the amino acid substitution p.Cys835Ser. To our knowledge, this variant has not been reported in the literature or in a large population database (gnomAD), indicating this variant is rare. At this time, the clinical significance of this variant is uncertain due to the absence of conclusive functional and genetic evidence.

NM_002373.6(MAP1A):c.2504G>C (p.Cys835Ser)

Gene: MAP1A (microtubule associated protein 1A; plus strand). Cytogenetic location: 15q15.3.
Variant type: single nucleotide variant.
Coding change: c.2504G>C on transcript NM_002373.6 (MANE Select); coding-DNA position 2504, G replaced by C.
Protein change: p.Cys835Ser; replaces cysteine 835 with serine.
Molecular consequence: missense variant.
Genome position (GRCh38, 1-based): chr15:43,523,977, G>C. VCF-style: chr15-43523977-G-C. GRCh37 (hg19) VCF-style: chr15-43816175-G-C.
Other names: c.3218G>C, p.Cys1073Ser (NM_001411089.1); short protein forms C1073S, C835S.
Identifiers: ClinVar variation 4993832 (VCV004993832.1).